The following is an entry in ClinVar:

ClinVar aggregate classification (germline): Conflicting classifications of pathogenicity. Review status: criteria provided, conflicting classifications (1 of 4 stars). 4 submissions from 4 submitters: Uncertain significance (1); Benign (1); Likely benign (2). Last evaluated 2025-06-14.

Conditions:
Hereditary cancer-predisposing syndrome. Also called: Hereditary neoplastic syndrome; Hereditary Cancer Syndrome; Tumor predisposition; Neoplastic Syndromes, Hereditary. Identifiers: Orphanet 140162, MedGen C0027672, MeSH D009386, MONDO:0015356.
Familial adenomatous polyposis 1 (FAP1). Also called: POLYPOSIS, ADENOMATOUS INTESTINAL; FAMILIAL ADENOMATOUS POLYPOSIS 1, ATTENUATED. Identifiers: MedGen C2713442, MONDO:0021056, OMIM 175100. Disease mechanism: loss of function.

Allele frequency attached by ClinVar (database versions not stated): gnomAD 0.00001.
gnomAD v4.1: 1 of 1,613,812 alleles (0.000062%); highest among the groups gnomAD compares: African/African-American, 0.0013%; no homozygotes.

Submissions (4):

Labcorp Genetics (formerly Invitae), Labcorp
Classification: Likely benign for Familial adenomatous polyposis 1. Last evaluated: 2025-06-14. Review status: criteria provided, single submitter. Criteria: Invitae Variant Classification Sherloc (09022015). Collection method: clinical testing. Allele origin: germline.

Myriad Genetics, Inc.
Classification: Benign for Familial adenomatous polyposis 1. Last evaluated: 2024-03-07. Review status: criteria provided, single submitter. Criteria: Myriad Autosomal Dominant, Autosomal Recessive and X-Linked Classification Criteria (2023). Collection method: clinical testing. Allele origin: unknown.
Comment: This variant is considered benign. This variant is a silent/synonymous amino acid change and it is not expected to impact splicing.

Ambry Genetics
Classification: Likely benign for Hereditary cancer-predisposing syndrome. Last evaluated: 2021-07-20. Review status: criteria provided, single submitter. Criteria: Ambry Variant Classification Scheme 2023. Collection method: clinical testing. Allele origin: germline.

Quest Diagnostics Nichols Institute San Juan Capistrano
Classification: Uncertain significance. Last evaluated: 2016-09-28. Review status: criteria provided, single submitter. Criteria: Quest Diagnostics criteria. Collection method: clinical testing. Allele origin: germline.

NM_000038.6(APC):c.1941T>C (p.Ala647=)

Gene: APC (APC regulator of Wnt signaling pathway; plus strand). Cytogenetic location: 5q22.2.
Variant type: single nucleotide variant.
Coding change: c.1941T>C on transcript NM_000038.6 (MANE Select); coding-DNA position 1941, T replaced by C.
Protein change: p.Ala647=; no amino-acid change (alanine 647 retained).
Molecular consequence: synonymous variant.
Genome position (GRCh38, 1-based): chr5:112,835,148, T>C. VCF-style: chr5-112835148-T-C. GRCh37 (hg19) VCF-style: chr5-112170845-T-C.
Other names: c.1941T>C, p.Ala647= (NM_001127510.3, NM_001354895.2); c.1887T>C, p.Ala629= (NM_001127511.3); c.1995T>C, p.Ala665= (NM_001354896.2); c.1971T>C, p.Ala657= (NM_001354897.2); c.1866T>C, p.Ala622= (NM_001354898.2); c.1857T>C, p.Ala619= (NM_001354899.2); c.1818T>C, p.Ala606= (NM_001354900.2); c.1764T>C, p.Ala588= (NM_001354901.2); and 5 more.
Identifiers: ClinVar variation 438870 (VCV000438870.14), dbSNP rs1554083247, ClinGen allele CA445758943.
Genomic context (GRCh38, chr5:112,835,148, plus strand): 5'-CACTTTAGCCATTATTGAAAGTGGAGGTGGGATATTACGGAATGTGTCCAGCTTGATAGC[T>C]ACAAATGAGGACCACAGGTATATATAGAGTTTTATATTACTTTTAAAGTACAGAATTCAT-3'
Protein context (NP_000029.2, residues 637-657): GILRNVSSLI[Ala647=]TNEDHRQILR